The following is an entry in ClinVar:

ClinVar aggregate classification (germline): Likely benign. Review status: criteria provided, multiple submitters, no conflicts (2 of 4 stars). 3 submissions from 3 submitters: Likely benign (2). 1 of the submissions does not count toward it. Last evaluated 2025-12-11.

Conditions:
CACNA1F-related disorder. Also called: CACNA1F-related condition.

Allele frequency attached by ClinVar (database versions not stated): ExAC 0.00003; gnomAD exomes 0.00007; ESP Exome Variant Server 0.00009; gnomAD 0.00016 and 0.00017.
gnomAD v4.1: 51 of 1,207,748 alleles (0.0042%); highest among the groups gnomAD compares: African/African-American, 0.063%; no homozygotes.

Submissions (3):

Labcorp Genetics (formerly Invitae), Labcorp
Classification: Likely benign. Last evaluated: 2025-12-11. Review status: criteria provided, single submitter. Criteria: Invitae Variant Classification Sherloc (09022015). Collection method: clinical testing. Allele origin: germline.

Blueprint Genetics
Classification: Likely benign. Last evaluated: 2022-08-11. Review status: criteria provided, single submitter. Criteria: ACMG Guidelines, 2015. Collection method: clinical testing. Allele origin: germline.

PreventionGenetics, part of Exact Sciences
Classification: Likely benign for CACNA1F-related condition. Last evaluated: 2024-08-08. Review status: no assertion criteria provided. Collection method: clinical testing. Allele origin: germline. Not counted in ClinVar's aggregate classification.
Comment: This variant is classified as likely benign based on ACMG/AMP sequence variant interpretation guidelines (Richards et al. 2015 PMID: 25741868, with internal and published modifications).

NM_001256789.3(CACNA1F):c.4179C>T (p.Phe1393=)

Gene: CACNA1F (calcium voltage-gated channel subunit alpha1 F; minus strand). Cytogenetic location: Xp11.23.
Variant type: single nucleotide variant.
Coding change: c.4179C>T on transcript NM_001256789.3 (MANE Select); coding-DNA position 4179, C replaced by T.
Protein change: p.Phe1393=; no amino-acid change (phenylalanine 1393 retained).
Molecular consequence: synonymous variant.
Genome position (GRCh38, 1-based): chrX:49,211,403, G>A on the plus strand (C>T on the coding strand, the complement: CACNA1F is on the minus strand). VCF-style: chrX-49211403-G-A. GRCh37 (hg19) VCF-style: chrX-49067863-G-A.
Other names: c.4017C>T, p.Phe1339= (NM_001256790.3); c.4212C>T, p.Phe1404= (NM_005183.4); c.4212C>T (NM_005183.3).
Identifiers: ClinVar variation 1111521 (VCV001111521.9), dbSNP rs376959397, ClinGen allele CA10410251.